The following is an entry in ClinVar:

ClinVar aggregate classification (germline): Benign (1 of 4 stars; one submission).

Conditions:
Autosomal recessive proximal renal tubular acidosis (PRTAO). Also called: RENAL TUBULAR ACIDOSIS, PROXIMAL, WITH OCULAR ABNORMALITIES AND IMPAIRED INTELLECTUAL DEVELOPMENT; RENAL TUBULAR ACIDOSIS, PROXIMAL, WITH OCULAR ABNORMALITIES AND MENTAL RETARDATION; RTA, PROXIMAL, AUTOSOMAL RECESSIVE; PROXIMAL RENAL TUBULAR ACIDOSIS-OCULAR ANOMALY SYNDROME. Identifiers: Orphanet 93607, MedGen C1970309, MONDO:0011422, OMIM 604278.

Allele frequency attached by ClinVar (database versions not stated): gnomAD 0.00944 and 0.01010; TOPMed 0.01033; 1000 Genomes Project 0.01118; 1000 Genomes Project 30x 0.01187.

Submission:

Illumina Laboratory Services, Illumina
Classification: Benign for Autosomal recessive proximal renal tubular acidosis. Last evaluated: 2018-01-12. Review status: criteria provided, single submitter. Criteria: ICSL Variant Classification Criteria 13 December 2019. Collection method: clinical testing. Allele origin: germline.
Comment: This variant was observed in the ICSL laboratory as part of a predisposition screen in an ostensibly healthy population. It had not been previously curated by ICSL or reported in the Human Gene Mutation Database (HGMD: prior to June 1st, 2018), and was therefore a candidate for classification through an automated scoring system. Utilizing variant allele frequency, disease prevalence and penetrance estimates, and inheritance mode, an automated score was calculated to assess if this variant is too frequent to cause the disease. Based on the score and internal cut-off values, a variant classified as benign is not then subjected to further curation. The score for this variant resulted in a classification of benign for this disease.

NM_001098484.3(SLC4A4):c.*2416A>G

Gene: SLC4A4 (solute carrier family 4 member 4; plus strand). Cytogenetic location: 4q13.3.
Variant type: single nucleotide variant.
Coding change: c.*2416A>G on transcript NM_001098484.3 (MANE Select); 2416 bases downstream of the stop codon, A replaced by G.
Molecular consequence: 3 prime UTR variant.
Genome position (GRCh38, 1-based): chr4:71,570,167, A>G. VCF-style: chr4-71570167-A-G. GRCh37 (hg19) VCF-style: chr4-72435884-A-G.
Other names: c.*2274A>G (NM_001134742.2); c.*2416A>G (NM_003759.4).
Identifiers: ClinVar variation 904593 (VCV000904593.4), dbSNP rs16846678, ClinGen allele CA99475930.
Genomic context (GRCh38, chr4:71,570,167, plus strand): 5'-AAGTTAAAGGTACTTTTGTTTTATAAAAGCTCTAGATAAAACTTTCTTTTCTGATCATGA[A>G]TCAAGTATCTGTGGTTTCATGCCCCTCTCTATACCTTTCAAAGAACTCCTGAAGCAACTT-3'